The following is an entry in ClinVar:

ClinVar aggregate classification (germline): Uncertain significance. Review status: criteria provided, multiple submitters, no conflicts (2 of 4 stars). 2 submissions from 2 submitters: Uncertain significance (2). Last evaluated 2024-08-12.

Conditions:
Intellectual disability-facial dysmorphism syndrome due to SETD5 haploinsufficiency (MRD23). Also called: Intellectual developmental disorder, autosomal dominant 23. Identifiers: Orphanet 404440, MedGen C3810406, MONDO:0014336, OMIM 615761.

Allele frequency attached by ClinVar (database versions not stated): TOPMed below 0.00001; gnomAD 0.00001; gnomAD exomes 0.00001; ExAC 0.00002.
gnomAD v4.1: 9 of 1,613,856 alleles (0.00056%); highest among the groups gnomAD compares: Admixed American, 0.0017%; no homozygotes.

Submissions (2):

Labcorp Genetics (formerly Invitae), Labcorp
Classification: Uncertain significance. Last evaluated: 2024-08-12. Review status: criteria provided, single submitter. Criteria: Invitae Variant Classification Sherloc (09022015). Collection method: clinical testing. Allele origin: germline.
Comment: This sequence change replaces proline, which is neutral and non-polar, with arginine, which is basic and polar, at codon 659 of the SETD5 protein (p.Pro659Arg). This variant is present in population databases (rs773497618, gnomAD 0.002%). This variant has not been reported in the literature in individuals affected with SETD5-related conditions. ClinVar contains an entry for this variant (Variation ID: 2435873). Advanced modeling of protein sequence and biophysical properties (such as structural, functional, and spatial information, amino acid conservation, physicochemical variation, residue mobility, and thermodynamic stability) performed at Invitae indicates that this missense variant is not expected to disrupt SETD5 protein function with a negative predictive value of 80%. In summary, the available evidence is currently insufficient to determine the role of this variant in disease. Therefore, it has been classified as a Variant of Uncertain Significance.

Revvity Omics, Revvity
Classification: Uncertain significance for Intellectual disability-facial dysmorphism syndrome due to SETD5 haploinsufficiency. Last evaluated: 2019-08-01. Review status: criteria provided, single submitter. Criteria: ACMG Guidelines, 2015. Collection method: clinical testing. Allele origin: germline.

NM_001080517.3(SETD5):c.1976C>G (p.Pro659Arg)

Gene: SETD5 (SET domain containing 5; plus strand). Cytogenetic location: 3p25.3.
Variant type: single nucleotide variant.
Coding change: c.1976C>G on transcript NM_001080517.3 (MANE Select); coding-DNA position 1976, C replaced by G.
Protein change: p.Pro659Arg; replaces proline 659 with arginine.
Molecular consequence: missense variant.
Genome position (GRCh38, 1-based): chr3:9,447,879, C>G. VCF-style: chr3-9447879-C-G. GRCh37 (hg19) VCF-style: chr3-9489563-C-G.
Other names: c.1682C>G, p.Pro561Arg (NM_001292043.2, NM_001349451.2); short protein forms P561R, P659R.
Identifiers: ClinVar variation 2435873 (VCV002435873.5), dbSNP rs773497618, ClinGen allele CA2239334.